The following is an entry in ClinVar:

NM_001142800.2(EYS):c.47G>T (p.Ser16Ile)

Gene: EYS (eyes shut homolog; minus strand). Cytogenetic location: 6q12.
Variant type: single nucleotide variant.
Coding change: c.47G>T on transcript NM_001142800.2 (MANE Select); coding-DNA position 47, G replaced by T.
Protein change: p.Ser16Ile; replaces serine 16 with isoleucine.
Molecular consequence: missense variant.
Genome position (GRCh38, 1-based): chr6:65,495,364, C>A on the plus strand (G>T on the coding strand, the complement: EYS is on the minus strand). VCF-style: chr6-65495364-C-A. GRCh37 (hg19) VCF-style: chr6-66205257-C-A.
Other names: c.47G>T, p.Ser16Ile (NM_001142801.2, NM_001292009.2, NM_198283.2); short protein forms S16I.
Identifiers: ClinVar variation 969705 (VCV000969705.8), dbSNP rs755010017, ClinGen allele CA3878140.
Genomic context (GRCh38, chr6:65,495,364, plus strand): 5'-GGTTGTGGATGCCATTCTTCCACCAATTGCCGTCTACATGTTTTTCCATTTATGAAAGAG[C>A]TGTGAAAAACCATCAGGCTCAGAATGACGATTGATTTGTCAGTCATTTTCGGGTAGCTGT-3'
Protein context (NP_001136272.1, residues 6-26): IVILSLMVFH[Ser16Ile]SFINGKTCRR

ClinVar aggregate classification (germline): Uncertain significance. Review status: criteria provided, multiple submitters, no conflicts (2 of 4 stars). 3 submissions from 3 submitters: Uncertain significance (2). 1 of the submissions does not count toward it. Last evaluated 2024-10-20.

Conditions:
Retinitis pigmentosa 25 (RP25). Identifiers: Orphanet 791, MedGen C1864446, MONDO:0011272, OMIM 602772.

Allele frequency attached by ClinVar (database versions not stated): ExAC 0.00001; gnomAD exomes 0.00001.
gnomAD v4.1: 33 of 1,613,206 alleles (0.002%); highest among the groups gnomAD compares: Non-Finnish European, 0.0028%; no homozygotes.

Submissions (3):

Women's Health and Genetics/Laboratory Corporation of America, LabCorp
Classification: Uncertain significance. Last evaluated: 2024-10-20. Review status: criteria provided, single submitter. Criteria: LabCorp Variant Classification Summary - May 2015. Collection method: clinical testing. Allele origin: germline.

Labcorp Genetics (formerly Invitae), Labcorp
Classification: Uncertain significance. Last evaluated: 2022-02-24. Review status: criteria provided, single submitter. Criteria: Invitae Variant Classification Sherloc (09022015). Collection method: clinical testing. Allele origin: germline.
Comment: This sequence change replaces serine, which is neutral and polar, with isoleucine, which is neutral and non-polar, at codon 16 of the EYS protein (p.Ser16Ile). This variant is present in population databases (rs755010017, gnomAD 0.002%). This variant has not been reported in the literature in individuals affected with EYS-related conditions. ClinVar contains an entry for this variant (Variation ID: 969705). Algorithms developed to predict the effect of missense changes on protein structure and function output the following: SIFT: "Tolerated"; PolyPhen-2: "Benign"; Align-GVGD: "Class C0". The isoleucine amino acid residue is found in multiple mammalian species, which suggests that this missense change does not adversely affect protein function. In summary, the available evidence is currently insufficient to determine the role of this variant in disease. Therefore, it has been classified as a Variant of Uncertain Significance.

Natera, Inc.
Classification: Uncertain significance for Retinitis pigmentosa type 25. Last evaluated: 2020-07-15. Review status: no assertion criteria provided. Collection method: clinical testing. Allele origin: germline. Not counted in ClinVar's aggregate classification.